The following is an entry in ClinVar:

NM_001371596.2(MFSD8):c.998+2T>G

Gene: MFSD8 (major facilitator superfamily domain containing 8; minus strand). Cytogenetic location: 4q28.2.
Variant type: single nucleotide variant.
Coding change: c.998+2T>G on transcript NM_001371596.2 (MANE Select); the canonical splice donor site of the intron after coding-DNA position 998, T replaced by G.
Molecular consequence: splice donor variant.
Genome position (GRCh38, 1-based): chr4:127,930,681, A>C on the plus strand (T>G on the coding strand, the complement: MFSD8 is on the minus strand). VCF-style: chr4-127930681-A-C. GRCh37 (hg19) VCF-style: chr4-128851836-A-C.
Other names: c.716+2T>G (NM_001371595.1); c.548+2T>G (NM_001410765.1); c.863+2T>G (NM_001371590.2); c.998+2T>G (NM_152778.4, NM_001371591.2); c.683+2T>G (NM_001363521.3); c.884+2T>G (NM_001410766.1, NM_001371593.2); c.797+2T>G (NM_001363520.3); c.851+2T>G (NM_001371594.2); and 1 more.
Identifiers: ClinVar variation 2741128 (VCV002741128.3), dbSNP rs780499761, ClinGen allele CA358173438.

ClinVar aggregate classification (germline): Likely pathogenic (1 of 4 stars; one submission).

Conditions:
Neuronal ceroid lipofuscinosis 7 (CLN7). Also called: MFSD8-Related Neuronal Ceroid-Lipofuscinosis. Identifiers: Orphanet 168491, Orphanet 228366, MedGen C1838571, MONDO:0012588, OMIM 610951.

gnomAD v4.1: 2 of 1,613,474 alleles (0.00012%); highest among the groups gnomAD compares: Non-Finnish European, 0.00017%; no homozygotes.

Submission:

Labcorp Genetics (formerly Invitae), Labcorp
Classification: Likely pathogenic for Neuronal ceroid lipofuscinosis 7. Last evaluated: 2023-08-07. Review status: criteria provided, single submitter. Criteria: Invitae Variant Classification Sherloc (09022015). Collection method: clinical testing. Allele origin: germline.
Comment: This sequence change affects a donor splice site in intron 10 of the MFSD8 gene. It is expected to disrupt RNA splicing. Variants that disrupt the donor or acceptor splice site typically lead to a loss of protein function (PMID: 16199547), and loss-of-function variants in MFSD8 are known to be pathogenic (PMID: 19177532, 25227500, 28586915). This variant is not present in population databases (gnomAD no frequency). This variant has not been reported in the literature in individuals affected with MFSD8-related conditions. Algorithms developed to predict the effect of sequence changes on RNA splicing suggest that this variant may disrupt the consensus splice site. In summary, the currently available evidence indicates that the variant is pathogenic, but additional data are needed to prove that conclusively. Therefore, this variant has been classified as Likely Pathogenic.

Literature cited by the submitters: PubMed 16199547; PubMed 19177532; PubMed 25227500; PubMed 28586915.